The following is an entry in ClinVar:

ClinVar aggregate classification (germline): Uncertain significance (1 of 4 stars; one submission).

Conditions:
Gastrointestinal stromal tumor. Also called: Gastrointestinal stromal tumor, somatic; Gastrointestinal stroma tumor. Identifiers: Orphanet 44890, MedGen C0238198, MeSH D046152, MONDO:0011719, OMIM 606764, HP:0100723.

Allele frequency attached by ClinVar (database versions not stated): gnomAD exomes below 0.00001; gnomAD 0.00001.
gnomAD v4.1: 2 of 1,612,580 alleles (0.00012%); highest among the groups gnomAD compares: Non-Finnish European, 0.00017%; no homozygotes.

Submission:

Labcorp Genetics (formerly Invitae), Labcorp
Classification: Uncertain significance for Gastrointestinal stromal tumor. Last evaluated: 2025-01-19. Review status: criteria provided, single submitter. Criteria: Invitae Variant Classification Sherloc (09022015). Collection method: clinical testing. Allele origin: germline.
Comment: This sequence change replaces threonine, which is neutral and polar, with asparagine, which is neutral and polar, at codon 253 of the KIT protein (p.Thr253Asn). This variant is present in population databases (no rsID available, gnomAD 0.0009%). This variant has not been reported in the literature in individuals affected with KIT-related conditions. ClinVar contains an entry for this variant (Variation ID: 1059210). An algorithm developed to predict the effect of missense changes on protein structure and function (PolyPhen-2) suggests that this variant is likely to be tolerated. In summary, the available evidence is currently insufficient to determine the role of this variant in disease. Therefore, it has been classified as a Variant of Uncertain Significance.

NM_000222.3(KIT):c.758C>A (p.Thr253Asn)

Gene: KIT (KIT proto-oncogene, receptor tyrosine kinase; plus strand). Cytogenetic location: 4q12.
Variant type: single nucleotide variant.
Coding change: c.758C>A on transcript NM_000222.3 (MANE Select); coding-DNA position 758, C replaced by A.
Protein change: p.Thr253Asn; replaces threonine 253 with asparagine.
Molecular consequence: missense variant.
Genome position (GRCh38, 1-based): chr4:54,703,725, C>A. VCF-style: chr4-54703725-C-A. GRCh37 (hg19) VCF-style: chr4-55569891-C-A.
Other names: c.758C>A, p.Thr253Asn (NM_001093772.2, NM_001385285.1, NM_001385286.1); c.761C>A, p.Thr254Asn (NM_001385284.1, NM_001385288.1, NM_001385290.1 and 1 more transcripts); short protein forms T253N, T254N.
Identifiers: ClinVar variation 1059210 (VCV001059210.9), dbSNP rs1275578060, ClinGen allele CA356899230.